The following is an entry in ClinVar:

NM_007194.4(CHEK2):c.391A>T (p.Lys131Ter)

Gene: CHEK2 (checkpoint kinase 2; minus strand). Cytogenetic location: 22q12.1.
Variant type: single nucleotide variant.
Coding change: c.391A>T on transcript NM_007194.4 (MANE Select); coding-DNA position 391, A replaced by T.
Protein change: p.Lys131Ter; replaces lysine 131 with a stop codon.
Molecular consequence: nonsense.
Genome position (GRCh38, 1-based): chr22:28,725,296, T>A on the plus strand (A>T on the coding strand, the complement: CHEK2 is on the minus strand). VCF-style: chr22-28725296-T-A. GRCh37 (hg19) VCF-style: chr22-29121284-T-A.
Other names: c.520A>T, p.Lys174Ter (NM_001005735.3); c.-387A>T (NM_001257387.3); c.391A>T, p.Lys131Ter (NM_001349956.3, NM_145862.3); short protein forms K131*, K174*.
Identifiers: ClinVar variation 955884 (VCV000955884.13), dbSNP rs1275395933, ClinGen allele CA411108040.
Genomic context (GRCh38, chr22:28,725,296, plus strand): 5'-TACCTACCCTGAAAATCCGAAAGTGTTTCTTGCTGTATGTTCGGTATTTATCTGTTCTTT[T>A]CAGCAGTGGTTCATCAAAGCAATATTCACAGCTTTTGTCCCTCCCAAACCAGTAGTTGTC-3'

ClinVar aggregate classification (germline): Pathogenic. Review status: criteria provided, multiple submitters, no conflicts (2 of 4 stars). 3 submissions from 3 submitters: Pathogenic (3). Last evaluated 2025-11-24.

Conditions:
Hereditary cancer-predisposing syndrome. Also called: Hereditary neoplastic syndrome; Tumor predisposition; Neoplastic Syndromes, Hereditary; Hereditary Cancer Syndrome. Identifiers: Orphanet 140162, MedGen C0027672, MeSH D009386, MONDO:0015356.
Familial cancer of breast. Also called: hereditary breast carcinoma; Hereditary breast cancer; BREAST CANCER, FAMILIAL. Identifiers: Orphanet 227535, MedGen C0346153, MONDO:0016419, OMIM 114480. Disease mechanism: loss of function.

Submissions (3):

Labcorp Genetics (formerly Invitae), Labcorp
Classification: Pathogenic for Familial cancer of breast. Last evaluated: 2025-11-24. Review status: criteria provided, single submitter. Criteria: Invitae Variant Classification Sherloc (09022015). Collection method: clinical testing. Allele origin: germline.
Comment: This sequence change creates a premature translational stop signal (p.Lys131*) in the CHEK2 gene. It is expected to result in an absent or disrupted protein product. Loss-of-function variants in CHEK2 are known to be pathogenic (PMID: 21876083, 24713400). This variant is not present in population databases (gnomAD no frequency). This variant has not been reported in the literature in individuals affected with CHEK2-related conditions. ClinVar contains an entry for this variant (Variation ID: 955884). For these reasons, this variant has been classified as Pathogenic.

Ambry Genetics
Classification: Pathogenic for Hereditary cancer-predisposing syndrome. Last evaluated: 2025-01-17. Review status: criteria provided, single submitter. Criteria: Ambry Variant Classification Scheme 2023. Collection method: clinical testing. Allele origin: germline.
Comment: The p.K131* pathogenic mutation (also known as c.391A>T), located in coding exon 2 of the CHEK2 gene, results from an A to T substitution at nucleotide position 391. This changes the amino acid from a lysine to a stop codon within coding exon 2. This alteration is expected to result in loss of function by premature protein truncation or nonsense-mediated mRNA decay. As such, this alteration is interpreted as a disease-causing mutation.

Myriad Genetics, Inc.
Classification: Pathogenic for Familial cancer of breast. Last evaluated: 2023-06-23. Review status: criteria provided, single submitter. Criteria: Myriad Autosomal Dominant, Autosomal Recessive and X-Linked Classification Criteria (2023). Collection method: clinical testing. Allele origin: unknown.
Comment: This variant is considered pathogenic. This variant creates a termination codon and is predicted to result in premature protein truncation.

Literature cited by the submitters: PubMed 21876083 (cited by Labcorp Genetics (formerly Invitae), Labcorp); PubMed 24713400 (cited by Labcorp Genetics (formerly Invitae), Labcorp).